The following is an entry in ClinVar:

NM_020778.5(ALPK3):c.528del (p.Ile177fs)

Gene: ALPK3 (alpha kinase 3; plus strand). Cytogenetic location: 15q25.3.
Variant type: Deletion.
Coding change: c.528del on transcript NM_020778.5 (MANE Select); coding-DNA position 528, one base deleted (G; older notation c.528delG).
Protein change: p.Ile177fs; shifts the reading frame from isoleucine 177.
Molecular consequence: frameshift variant.
Genome position (GRCh38, 1-based): chr15:84,839,807, G deleted. VCF-style (leftmost placement, unchanged base first): chr15-84839806-AG-A. GRCh37 (hg19) VCF-style: chr15-85383037-AG-A.
Other names: c.1134delG (NM_020778.4); short protein forms I177fs.
Identifiers: ClinVar variation 422956 (VCV000422956.5), dbSNP rs1064796122, ClinGen allele CA16620013.
Genomic context (GRCh38, chr15:84,839,806, plus strand): 5'-ACAGCAAGGGCATTGTGTCCTGCTCAGGGGTCCTGGAGGTGGGCACCATGACTGAGTACA[AG>A]ATCCACCAGCGCTGGTTCGCCAAGTTGAAGCGCAAGGCTGCGGCAAAGCTGCGCGAGATC-3'

ClinVar aggregate classification (germline): Pathogenic. Review status: criteria provided, multiple submitters, no conflicts (2 of 4 stars). 2 submissions from 2 submitters: Pathogenic (2). Last evaluated 2022-11-20.

Submissions (2):

Labcorp Genetics (formerly Invitae), Labcorp
Classification: Pathogenic. Last evaluated: 2022-11-20. Review status: criteria provided, single submitter. Criteria: Invitae Variant Classification Sherloc (09022015). Collection method: clinical testing. Allele origin: germline.
Comment: ClinVar contains an entry for this variant (Variation ID: 422956). For these reasons, this variant has been classified as Pathogenic. This variant has not been reported in the literature in individuals affected with ALPK3-related conditions. This variant is not present in population databases (gnomAD no frequency). This sequence change creates a premature translational stop signal (p.Ile379Serfs*9) in the ALPK3 gene. It is expected to result in an absent or disrupted protein product. Loss-of-function variants in ALPK3 are known to be pathogenic (PMID: 21441111, 26846950, 27106955, 34263907).

GeneDx
Classification: Pathogenic. Last evaluated: 2017-01-03. Review status: criteria provided, single submitter. Criteria: GeneDx Variant Classification (06012015). Collection method: clinical testing. Allele origin: germline. Affected: yes.
Comment: The c.1134delG variant in the ALPK3 gene has not been reported previously as a pathogenic variant nor as a benign variant, to our knowledge. The c.1134delG variant causes a frameshift starting with codon Isoleucine 379, changes this amino acid to a Serine residue, and creates a premature Stop codon at position 9 of the new reading frame, denoted p.Ile379SerfsX9. This variant is predicted to cause loss of normal protein function either through protein truncation or nonsense-mediated mRNA decay. The c.1134delG variant was not observed in approximately 6,500 individuals of European and African American ancestry in the NHLBI Exome Sequencing Project, indicating it is not a common benign variant in these populations. We interpret c.1134delG as a pathogenic variant.

Literature cited by the submitters: PubMed 21441111 (cited by Labcorp Genetics (formerly Invitae), Labcorp); PubMed 26846950 (cited by Labcorp Genetics (formerly Invitae), Labcorp); PubMed 27106955 (cited by Labcorp Genetics (formerly Invitae), Labcorp); PubMed 34263907 (cited by Labcorp Genetics (formerly Invitae), Labcorp).